The following is an entry in ClinVar:

ClinVar aggregate classification (germline): Uncertain significance. Review status: criteria provided, multiple submitters, no conflicts (2 of 4 stars). 2 submissions from 2 submitters: Uncertain significance (2). Last evaluated 2025-10-14.

Conditions:
Dyskeratosis congenita. Identifiers: Orphanet 1775, MedGen C0265965, MONDO:0015780.

Submissions (2):

Labcorp Genetics (formerly Invitae), Labcorp
Classification: Uncertain significance for Dyskeratosis congenita. Last evaluated: 2025-10-14. Review status: criteria provided, single submitter. Criteria: Invitae Variant Classification Sherloc (09022015). Collection method: clinical testing. Allele origin: germline.
Comment: This sequence change replaces alanine, which is neutral and non-polar, with valine, which is neutral and non-polar, at codon 450 of the CTC1 protein (p.Ala450Val). This variant is present in population databases (rs753508926, gnomAD 0.007%). This variant has not been reported in the literature in individuals affected with CTC1-related conditions. Invitae Evidence Modeling of protein sequence and biophysical properties (such as structural, functional, and spatial information, amino acid conservation, physicochemical variation, residue mobility, and thermodynamic stability) indicates that this missense variant is expected to disrupt CTC1 protein function with a positive predictive value of 80%. In summary, the available evidence is currently insufficient to determine the role of this variant in disease. Therefore, it has been classified as a Variant of Uncertain Significance.

GeneDx
Classification: Uncertain significance. Last evaluated: 2025-04-17. Review status: criteria provided, single submitter. Criteria: GeneDx Variant Classification Process June 2021. Collection method: clinical testing. Allele origin: germline. Affected: yes.
Comment: Not observed at significant frequency in large population cohorts (gnomAD); In silico analysis indicates that this missense variant does not alter protein structure/function; Has not been previously published as pathogenic or benign to our knowledge

NM_025099.6(CTC1):c.1349C>T (p.Ala450Val)

Gene: CTC1 (CST telomere replication complex component 1; minus strand). Cytogenetic location: 17p13.1.
Variant type: single nucleotide variant.
Coding change: c.1349C>T on transcript NM_025099.6 (MANE Select); coding-DNA position 1349, C replaced by T.
Protein change: p.Ala450Val; replaces alanine 450 with valine.
Molecular consequence: missense variant. On other transcripts: non-coding transcript variant (1).
Genome position (GRCh38, 1-based): chr17:8,235,143, G>A on the plus strand (C>T on the coding strand, the complement: CTC1 is on the minus strand). VCF-style: chr17-8235143-G-A. GRCh37 (hg19) VCF-style: chr17-8138461-G-A.
Other names: c.1349C>T, p.Ala450Val (NM_001411067.1); short protein forms A450V.
Identifiers: ClinVar variation 4282321 (VCV004282321.2).
Genomic context (GRCh38, chr17:8,235,143, plus strand): 5'-GCCCACAGGTAGAGGGGAAGTCCTAACTGACGTTCCCACACCAGCTGCTCGTACAGGGAG[G>A]CCCCGTAGGCTTGACGGGATGAGTGAGCCCCAGGCTTCTGACGAGAGAAGCTTTGAAGCA-3'
Protein context (NP_079375.3, residues 440-460): GAHSSRQAYG[Ala450Val]SLYEQLVWER